The following is an entry in ClinVar:

ClinVar aggregate classification (germline): Uncertain significance (1 of 4 stars; one submission).

Allele frequency attached by ClinVar (database versions not stated): TOPMed below 0.00001; gnomAD exomes 0.00001; ExAC 0.00002.
gnomAD v4.1: 12 of 1,561,554 alleles (0.00077%); highest among the groups gnomAD compares: Admixed American, 0.0035%; no homozygotes.

Submission:

Labcorp Genetics (formerly Invitae), Labcorp
Classification: Uncertain significance. Last evaluated: 2023-07-17. Review status: criteria provided, single submitter. Criteria: Invitae Variant Classification Sherloc (09022015). Collection method: clinical testing. Allele origin: germline.
Comment: In summary, the available evidence is currently insufficient to determine the role of this variant in disease. Therefore, it has been classified as a Variant of Uncertain Significance. An algorithm developed to predict the effect of missense changes on protein structure and function (PolyPhen-2) suggests that this variant is likely to be disruptive. ClinVar contains an entry for this variant (Variation ID: 1490162). This variant has not been reported in the literature in individuals affected with CCDC88A-related conditions. The frequency data for this variant in the population databases is considered unreliable, as metrics indicate poor data quality at this position in the gnomAD database. This sequence change replaces glutamine, which is neutral and polar, with arginine, which is basic and polar, at codon 1379 of the CCDC88A protein (p.Gln1379Arg).

NM_001365480.1(CCDC88A):c.4139A>G (p.Gln1380Arg)

Gene: CCDC88A (coiled-coil domain containing 88A; minus strand). Cytogenetic location: 2p16.1.
Variant type: single nucleotide variant.
Coding change: c.4139A>G on transcript NM_001365480.1 (MANE Select); coding-DNA position 4139, A replaced by G.
Protein change: p.Gln1380Arg; replaces glutamine 1380 with arginine.
Molecular consequence: missense variant.
Genome position (GRCh38, 1-based): chr2:55,309,195, T>C on the plus strand (A>G on the coding strand, the complement: CCDC88A is on the minus strand). VCF-style: chr2-55309195-T-C. GRCh37 (hg19) VCF-style: chr2-55536331-T-C.
Other names: c.4136A>G, p.Gln1379Arg (NM_001135597.2, NM_001254943.2); c.4139A>G, p.Gln1380Arg (NM_018084.5); short protein forms Q1380R, Q1379R.
Identifiers: ClinVar variation 1490162 (VCV001490162.5), dbSNP rs752466866, ClinGen allele CA1665630.